The following is an entry in ClinVar:

NM_015122.3(FCHO1):c.1489G>A (p.Gly497Ser)

Gene: FCHO1 (FCH and mu domain containing endocytic adaptor 1; plus strand). Cytogenetic location: 19p13.11.
Variant type: single nucleotide variant.
Coding change: c.1489G>A on transcript NM_015122.3 (MANE Select); coding-DNA position 1489, G replaced by A.
Protein change: p.Gly497Ser; replaces glycine 497 with serine.
Molecular consequence: missense variant. On other transcripts: non-coding transcript variant (14), intron variant (11).
Genome position (GRCh38, 1-based): chr19:17,778,746, G>A. VCF-style: chr19-17778746-G-A. GRCh37 (hg19) VCF-style: chr19-17889555-G-A.
Other names: c.1489G>A (NM_001161357.1); c.1489G>A, p.Gly497Ser (NM_001161357.2, NM_001161358.2, NM_001384370.1 and 13 more transcripts); c.1339G>A, p.Gly447Ser (NM_001161359.2, NM_001384384.1, NM_001384385.1 and 1 more transcripts); c.1450G>A, p.Gly484Ser (NM_001384388.1, NM_001384389.1, NM_001384405.1); c.1414G>A, p.Gly472Ser (NM_001384390.1); c.1372G>A, p.Gly458Ser (NM_001384392.1, NM_001384393.1, NM_001384394.1 and 1 more transcripts); c.1351+518G>A (NM_001384396.1, NM_001384404.1, NM_001384398.1 and 5 more transcripts); c.1201+518G>A (NM_001384406.1); and 2 more; short protein forms G458S, G447S, G497S, G472S, G484S.
Identifiers: ClinVar variation 1353313 (VCV001353313.9), dbSNP rs1408217526, ClinGen allele CA404753628.
Genomic context (GRCh38, chr19:17,778,746, plus strand): 5'-CTGGACTCTCCGTCCCACGCGGCACCTGGCCCCTCCCCAGATTCCTGGGTCCCCCGCCCA[G>A]GCACCCCGCAGAGCCCGCCCAGCTGTAGGGCGCCACCCCCAGAGGCCAGGGGTATCCGGG-3'
Protein context (NP_055937.1, residues 487-507): PSPDSWVPRP[Gly497Ser]TPQSPPSCRA

ClinVar aggregate classification (germline): Uncertain significance. Review status: criteria provided, multiple submitters, no conflicts (2 of 4 stars). 3 submissions from 3 submitters: Uncertain significance (3). Last evaluated 2025-03-08.

Allele frequency attached by ClinVar (database versions not stated): gnomAD 0.00001; gnomAD exomes 0.00001; TOPMed 0.00001.
gnomAD v4.1: 18 of 1,539,784 alleles (0.0012%); highest among the groups gnomAD compares: Non-Finnish European, 0.0016%; no homozygotes.

Submissions (3):

Ambry Genetics
Classification: Uncertain significance. Last evaluated: 2025-03-08. Review status: criteria provided, single submitter. Criteria: Ambry Variant Classification Scheme 2023. Collection method: clinical testing. Allele origin: germline.

Blueprint Genetics
Classification: Uncertain significance. Last evaluated: 2023-05-25. Review status: criteria provided, single submitter. Criteria: ACMG Guidelines, 2015. Collection method: clinical testing. Allele origin: germline.

Labcorp Genetics (formerly Invitae), Labcorp
Classification: Uncertain significance. Last evaluated: 2021-05-13. Review status: criteria provided, single submitter. Criteria: Invitae Variant Classification Sherloc (09022015). Collection method: clinical testing. Allele origin: germline.
Comment: This sequence change replaces glycine with serine at codon 497 of the FCHO1 protein (p.Gly497Ser). The glycine residue is weakly conserved and there is a small physicochemical difference between glycine and serine. This variant is not present in population databases (ExAC no frequency). This variant has not been reported in the literature in individuals with FCHO1-related conditions. Algorithms developed to predict the effect of missense changes on protein structure and function output the following: SIFT: "Tolerated"; PolyPhen-2: "Benign"; Align-GVGD: "Class C0". The serine amino acid residue is found in multiple mammalian species, suggesting that this missense change does not adversely affect protein function. These predictions have not been confirmed by published functional studies and their clinical significance is uncertain. Algorithms developed to predict the effect of sequence changes on RNA splicing suggest that this variant may create or strengthen a splice site, but this prediction has not been confirmed by published transcriptional studies. In summary, the available evidence is currently insufficient to determine the role of this variant in disease. Therefore, it has been classified as a Variant of Uncertain Significance.